The following is an entry in ClinVar:

ClinVar aggregate classification (germline): Uncertain significance (1 of 4 stars; one submission).

Conditions:
Sclerosteosis 2 (SOST2). Identifiers: Orphanet 3152, MedGen C3280402, MONDO:0013679, OMIM 614305.
Cenani-Lenz syndactyly syndrome. Also called: CENANI SYNDACTYLISM; SYNDACTYLY, TYPE VII. Identifiers: Orphanet 3258, MedGen C1859309, MONDO:0008931, OMIM 212780.
Congenital myasthenic syndrome 17. Identifiers: Orphanet 590, MedGen C4225377, MONDO:0014578, OMIM 616304.

Allele frequency attached by ClinVar (database versions not stated): gnomAD exomes below 0.00001.
gnomAD v4.1: 1 of 1,612,022 alleles (0.000062%); highest among the groups gnomAD compares: Non-Finnish European, 0.000085%; no homozygotes.

Submission:

Labcorp Genetics (formerly Invitae), Labcorp
Classification: Uncertain significance for Cenani-Lenz syndactyly syndrome; Sclerosteosis 2; Congenital myasthenic syndrome 17. Last evaluated: 2022-05-13. Review status: criteria provided, single submitter. Criteria: Invitae Variant Classification Sherloc (09022015). Collection method: clinical testing. Allele origin: germline.
Comment: In summary, the available evidence is currently insufficient to determine the role of this variant in disease. Therefore, it has been classified as a Variant of Uncertain Significance. Algorithms developed to predict the effect of missense changes on protein structure and function are either unavailable or do not agree on the potential impact of this missense change (SIFT: "Deleterious"; PolyPhen-2: "Benign"; Align-GVGD: "Class C0"). This variant has not been reported in the literature in individuals affected with LRP4-related conditions. This variant is not present in population databases (gnomAD no frequency). This sequence change replaces proline, which is neutral and non-polar, with leucine, which is neutral and non-polar, at codon 107 of the LRP4 protein (p.Pro107Leu).

NM_002334.4(LRP4):c.320C>T (p.Pro107Leu)

Gene: LRP4 (LDL receptor related protein 4; minus strand). Cytogenetic location: 11p11.2.
Variant type: single nucleotide variant.
Coding change: c.320C>T on transcript NM_002334.4 (MANE Select); coding-DNA position 320, C replaced by T.
Protein change: p.Pro107Leu; replaces proline 107 with leucine.
Molecular consequence: missense variant.
Genome position (GRCh38, 1-based): chr11:46,899,973, G>A on the plus strand (C>T on the coding strand, the complement: LRP4 is on the minus strand). VCF-style: chr11-46899973-G-A. GRCh37 (hg19) VCF-style: chr11-46921524-G-A.
Other names: short protein forms P107L.
Identifiers: ClinVar variation 1391834 (VCV001391834.6), dbSNP rs2134864767, ClinGen allele CA380290004.
Genomic context (GRCh38, chr11:46,899,973, plus strand): 5'-CACAGACTCCGGATGCAGTAGCCATTCTGGCAGGGAAACTCGTCCTCCTCACACTCCCGG[G>A]GGGCTGTGGGCACAGAGCAGTCAGGCTGCTGCAGGCAGTGGGGGTCTGGTGCCTGGAAGC-3'
Protein context (NP_002325.2, residues 97-117): EDDSDEQDCP[Pro107Leu]RECEEDEFPC